The following is an entry in ClinVar:

ClinVar aggregate classification (germline): Uncertain significance. Review status: criteria provided, multiple submitters, no conflicts (2 of 4 stars). 5 submissions from 5 submitters: Uncertain significance (5). Last evaluated 2025-09-26.

Conditions:
Inborn genetic diseases. Identifiers: MedGen C0950123, MeSH D030342.

Allele frequency attached by ClinVar (database versions not stated): ESP Exome Variant Server 0.00008; ExAC 0.00014; TOPMed 0.00019; gnomAD 0.00021 and 0.00019; gnomAD exomes 0.00013 and 0.00014.

Submissions (5):

Ambry Genetics
Classification: Uncertain significance for Inborn genetic diseases. Last evaluated: 2025-09-26. Review status: criteria provided, single submitter. Criteria: Ambry Variant Classification Scheme 2023. Collection method: clinical testing. Allele origin: germline.

Athena Diagnostics
Classification: Uncertain significance. Last evaluated: 2025-06-25. Review status: criteria provided, single submitter. Criteria: Athena Diagnostics Criteria. Collection method: clinical testing. Allele origin: unknown.
Comment: Available data are insufficient to determine the clinical significance of the variant at this time. The frequency of this variant in the general population is uninformative in assessment of its pathogenicity. Polyphen and MutationTaster predict this amino acid change may be benign.

Labcorp Genetics (formerly Invitae), Labcorp
Classification: Uncertain significance. Last evaluated: 2022-08-12. Review status: criteria provided, single submitter. Criteria: Invitae Variant Classification Sherloc (09022015). Collection method: clinical testing. Allele origin: germline.
Comment: This sequence change replaces alanine, which is neutral and non-polar, with threonine, which is neutral and polar, at codon 3961 of the HSPG2 protein (p.Ala3961Thr). This variant is present in population databases (rs371079941, gnomAD 0.02%). This variant has not been reported in the literature in individuals affected with HSPG2-related conditions. ClinVar contains an entry for this variant (Variation ID: 287982). Algorithms developed to predict the effect of missense changes on protein structure and function output the following: SIFT: "Tolerated"; PolyPhen-2: "Benign"; Align-GVGD: "Class C0". The threonine amino acid residue is found in multiple mammalian species, which suggests that this missense change does not adversely affect protein function. In summary, the available evidence is currently insufficient to determine the role of this variant in disease. Therefore, it has been classified as a Variant of Uncertain Significance.

Revvity Omics, Revvity
Classification: Uncertain significance. Last evaluated: 2019-06-11. Review status: criteria provided, single submitter. Criteria: ACMG Guidelines, 2015. Collection method: clinical testing. Allele origin: germline.

Eurofins Ntd Llc (ga)
Classification: Uncertain significance. Last evaluated: 2016-05-31. Review status: criteria provided, single submitter. Criteria: EGL Classification Definitions 2015. Collection method: clinical testing. Allele origin: germline. Observed: 2 variant alleles, 2 heterozygotes.

NM_005529.7(HSPG2):c.11881G>A (p.Ala3961Thr)

Gene: HSPG2 (heparan sulfate proteoglycan 2; minus strand). Cytogenetic location: 1p36.12.
Variant type: single nucleotide variant.
Coding change: c.11881G>A on transcript NM_005529.7 (MANE Select); coding-DNA position 11881, G replaced by A.
Protein change: p.Ala3961Thr; replaces alanine 3961 with threonine.
Molecular consequence: missense variant.
Genome position (GRCh38, 1-based): chr1:21,829,494, C>T on the plus strand (G>A on the coding strand, the complement: HSPG2 is on the minus strand). VCF-style: chr1-21829494-C-T. GRCh37 (hg19) VCF-style: chr1-22155987-C-T.
Other names: c.11884G>A, p.Ala3962Thr (NM_001291860.2); c.11881G>A (NM_005529.6, NM_005529.5); short protein forms A3961T, A3962T.
Identifiers: ClinVar variation 287982 (VCV000287982.12), dbSNP rs371079941, ClinGen allele CA669592.
Genomic context (GRCh38, chr1:21,829,494, plus strand): 5'-ACACGAAGTCCTCCACAGGCCCGCTCTTCCCCCCGCTGAACAGCAGGACCCCGTCAGGGG[C>T]GAGTGGCTTGAACTCCACGTCCAGGCGTAGCTCGTGGTGTGTGTTGGTGAGGGCGGGCAG-3'
Protein context (NP_005520.4, residues 3951-3971): LRLDVEFKPL[Ala3961Thr]PDGVLLFSGG